The following is an entry in ClinVar:

NM_001378452.1(ITPR1):c.3207C>T (p.Thr1069=)

Gene: ITPR1 (inositol 1,4,5-trisphosphate receptor type 1; plus strand). Cytogenetic location: 3p26.1.
Variant type: single nucleotide variant.
Coding change: c.3207C>T on transcript NM_001378452.1 (MANE Select); coding-DNA position 3207, C replaced by T.
Protein change: p.Thr1069=; no amino-acid change (threonine 1069 retained).
Molecular consequence: synonymous variant.
Genome position (GRCh38, 1-based): chr3:4,683,431, C>T. VCF-style: chr3-4683431-C-T. GRCh37 (hg19) VCF-style: chr3-4725115-C-T.
Other names: c.3180C>T, p.Thr1060= (NM_001099952.4); c.3162C>T, p.Thr1054= (NM_001168272.2); c.3135C>T, p.Thr1045= (NM_002222.7).
Identifiers: ClinVar variation 286499 (VCV000286499.60), dbSNP rs186541002, ClinGen allele CA2231627.

ClinVar aggregate classification (germline): Benign/Likely benign. Review status: criteria provided, multiple submitters, no conflicts (2 of 4 stars). 11 submissions from 11 submitters: Benign (3); Likely benign (5). 3 of the submissions do not count toward it. Last evaluated 2026-08-01.

Conditions:
Autosomal dominant cerebellar ataxia. Also called: Spinocerebellar Ataxia, Dominant. Identifiers: Orphanet 99, MedGen C4087347, MONDO:0020380.
ITPR1-related disorder. Also called: ITPR1-related condition.

Allele frequency attached by ClinVar (database versions not stated): 1000 Genomes Project 0.00120; 1000 Genomes Project 30x 0.00125; gnomAD 0.00143; ESP Exome Variant Server 0.00145; TOPMed 0.00212.
gnomAD v4.1: 3,553 of 1,614,050 alleles (0.22%); highest among the groups gnomAD compares: Non-Finnish European, 0.27%; 5 homozygotes.

Submissions (11):

CeGaT Center for Human Genetics Tuebingen
Classification: Likely benign. Last evaluated: 2026-08-01. Review status: criteria provided, single submitter. Criteria: CeGaT Center For Human Genetics Tuebingen Variant Classification Criteria Version 2. Collection method: clinical testing. Allele origin: germline. Affected: yes. Observed: 18 variant alleles.
Comment: ITPR1: BP4, BP7

PreventionGenetics, part of Exact Sciences
Classification: Likely benign for ITPR1-related condition. Last evaluated: 2026-03-09. Review status: criteria provided, single submitter. Criteria: ACMG Guidelines, 2015. Collection method: clinical testing. Allele origin: germline.
Comment: This variant is classified as likely benign based on ACMG/AMP sequence variant interpretation guidelines (Richards et al. 2015 PMID: 25741868, with internal and published modifications).

Labcorp Genetics (formerly Invitae), Labcorp
Classification: Benign. Last evaluated: 2026-01-31. Review status: criteria provided, single submitter. Criteria: Invitae Variant Classification Sherloc (09022015). Collection method: clinical testing. Allele origin: germline.

Athena Diagnostics
Classification: Benign. Last evaluated: 2025-06-25. Review status: criteria provided, single submitter. Criteria: Athena Diagnostics Criteria. Collection method: clinical testing. Allele origin: unknown.
Comment: The frequency of this variant in the general population is higher than would generally be expected for pathogenic variants in this gene. Computational tools yielded predictions that this variant is unlikely to have an effect on normal RNA splicing. This nucleotide position exhibits low evolutionary conservation.

Blueprint Genetics
Classification: Likely benign. Last evaluated: 2024-11-18. Review status: criteria provided, single submitter. Criteria: ACMG Guidelines, 2015. Collection method: clinical testing. Allele origin: germline.

GeneDx
Classification: Likely benign. Last evaluated: 2021-04-26. Review status: criteria provided, single submitter. Criteria: GeneDx Variant Classification Process June 2021. Collection method: clinical testing. Allele origin: germline. Affected: yes.

Illumina Laboratory Services, Illumina
Classification: Benign for Spinocerebellar Ataxia, Dominant. Last evaluated: 2018-01-12. Review status: criteria provided, single submitter. Criteria: ICSL Variant Classification Criteria 13 December 2019. Collection method: clinical testing. Allele origin: germline.
Comment: This variant was observed in the ICSL laboratory as part of a predisposition screen in an ostensibly healthy population. It had not been previously curated by ICSL or reported in the Human Gene Mutation Database (HGMD: prior to June 1st, 2018), and was therefore a candidate for classification through an automated scoring system. Utilizing variant allele frequency, disease prevalence and penetrance estimates, and inheritance mode, an automated score was calculated to assess if this variant is too frequent to cause the disease. Based on the score and internal cut-off values, a variant classified as benign is not then subjected to further curation. The score for this variant resulted in a classification of benign for this disease.

Eurofins Ntd Llc (ga)
Classification: Likely benign. Last evaluated: 2016-02-24. Review status: criteria provided, single submitter. Criteria: EGL Classification Definitions 2015. Collection method: clinical testing. Allele origin: germline. Observed: 1 variant allele, 1 heterozygote.

Clinical Genetics DNA and cytogenetics Diagnostics Lab, Erasmus MC, Erasmus Medical Center
Classification: Likely benign. Review status: no assertion criteria provided. Collection method: clinical testing. Allele origin: germline. Affected: yes. Study: VKGL Data-share Consensus. Not counted in ClinVar's aggregate classification.

Diagnostic Laboratory, Department of Genetics, University Medical Center Groningen
Classification: Likely benign. Review status: no assertion criteria provided. Collection method: clinical testing. Allele origin: germline. Affected: yes. Study: VKGL Data-share Consensus. Not counted in ClinVar's aggregate classification.

Genome Diagnostics Laboratory, University Medical Center Utrecht
Classification: Likely benign. Review status: no assertion criteria provided. Collection method: clinical testing. Allele origin: germline. Affected: yes. Study: VKGL Data-share Consensus. Not counted in ClinVar's aggregate classification.